The following is an entry in ClinVar:

ClinVar aggregate classification (germline): Benign (0 of 4 stars; one submission).

Conditions:
PLEKHA7-related disorder. Also called: PLEKHA7-related condition.

Allele frequency attached by ClinVar (database versions not stated): ExAC 0.00061; ESP Exome Variant Server 0.00264; 1000 Genomes Project 0.00439; 1000 Genomes Project 30x 0.00547.

Submission:

PreventionGenetics, part of Exact Sciences
Classification: Benign for PLEKHA7-related condition. Last evaluated: 2019-03-12. Review status: no assertion criteria provided. Collection method: clinical testing. Allele origin: germline.
Comment: This variant is classified as benign based on ACMG/AMP sequence variant interpretation guidelines (Richards et al. 2015 PMID: 25741868, with internal and published modifications).

NM_001329630.2(PLEKHA7):c.-7G>T

Gene: PLEKHA7 (pleckstrin homology domain containing A7; minus strand). Cytogenetic location: 11p15.1.
Variant type: single nucleotide variant.
Coding change: c.-7G>T on transcript NM_001329630.2 (MANE Select); 7 bases upstream of the start codon, G replaced by T.
Molecular consequence: 5 prime UTR variant.
Genome position (GRCh38, 1-based): chr11:17,014,408, C>A on the plus strand (G>T on the coding strand, the complement: PLEKHA7 is on the minus strand). VCF-style: chr11-17014408-C-A. GRCh37 (hg19) VCF-style: chr11-17035955-C-A.
Other names: c.-7G>T (NM_001329631.2, NM_001410960.1, NM_175058.5).
Identifiers: ClinVar variation 3056599 (VCV003056599.2), dbSNP rs372142254, ClinGen allele CA5899985.